The following is an entry in ClinVar:

ClinVar aggregate classification (germline): Uncertain significance (1 of 4 stars; one submission).

Conditions:
Combined oxidative phosphorylation defect type 27. Also called: Combined oxidative phosphorylation deficiency 27. Identifiers: Orphanet 477774, MedGen C5567608, MONDO:0014728, OMIM 616672.

Submission:

Labcorp Genetics (formerly Invitae), Labcorp
Classification: Uncertain significance for Combined oxidative phosphorylation defect type 27. Last evaluated: 2022-05-30. Review status: criteria provided, single submitter. Criteria: Invitae Variant Classification Sherloc (09022015). Collection method: clinical testing. Allele origin: germline.
Comment: This variant, c.1311_1312insTTC, results in the insertion of 1 amino acid(s) of the CARS2 protein (p.Ser437_Leu438insPhe), but otherwise preserves the integrity of the reading frame. This variant is present in population databases (no rsID available, gnomAD 0.03%). This variant has not been reported in the literature in individuals affected with CARS2-related conditions. ClinVar contains an entry for this variant (Variation ID: 1022196). Experimental studies and prediction algorithms are not available or were not evaluated, and the functional significance of this variant is currently unknown. In summary, the available evidence is currently insufficient to determine the role of this variant in disease. Therefore, it has been classified as a Variant of Uncertain Significance.

NM_024537.4(CARS2):c.1311_1312insTTC (p.Ser437_Leu438insPhe)

Gene: CARS2 (cysteinyl-tRNA synthetase 2, mitochondrial; minus strand). Cytogenetic location: 13q34.
Variant type: Insertion.
Coding change: c.1311_1312insTTC on transcript NM_024537.4 (MANE Select); coding-DNA positions 1311 to 1312, TTC inserted.
Protein change: p.Ser437_Leu438insPhe.
Molecular consequence: inframe insertion. On other transcripts: non-coding transcript variant (2).
Genome position: GRCh38 VCF-style: chr13-110645972-G-GGAA. GRCh37 (hg19) VCF-style: chr13-111298319-G-GGAA.
Other names: c.525_526insTTC, p.Ser175_Leu176insPhe (NM_001352252.2).
Identifiers: ClinVar variation 1022196 (VCV001022196.6), dbSNP rs1339301287, ClinGen allele CA612640929.